The following is an entry in ClinVar:

ClinVar aggregate classification (germline): Conflicting classifications of pathogenicity. Review status: criteria provided, conflicting classifications (1 of 4 stars). 4 submissions from 4 submitters: Uncertain significance (1); Likely benign (3). Last evaluated 2025-12-16.

Conditions:
Pheochromocytoma/paraganglioma syndrome 4. Also called: SDHB-Related Hereditary Paraganglioma-Pheochromocytoma Syndrome (Paragangliomas 4); SDHB-Related Hereditary Paraganglioma-Pheochromocytoma Syndrome; CAROTID BODY TUMORS AND MULTIPLE EXTRAADRENAL PHEOCHROMOCYTOMAS; PARAGANGLIOMA, FAMILIAL MALIGNANT; PARAGANGLIOMAS, HEREDITARY EXTRAADRENAL; PHEOCHROMOCYTOMA, FAMILIAL EXTRAADRENAL. Identifiers: Orphanet 29072, MedGen C1861848, MONDO:0007273, OMIM 115310.
Pheochromocytoma. Also called: MAX-Related Hereditary Paraganglioma-Pheochromocytoma Syndrome. Identifiers: Orphanet 29072, MedGen C0031511, MONDO:0008233, OMIM 171300, HP:0002666.
Gastrointestinal stromal tumor. Also called: Gastrointestinal stromal tumor, somatic; Gastrointestinal stroma tumor. Identifiers: Orphanet 44890, MedGen C0238198, MeSH D046152, MONDO:0011719, OMIM 606764, HP:0100723.
Hereditary pheochromocytoma and paraganglioma. Also called: Hereditary paragangliomas and pheochromocytomas; Hereditary pheochromocytoma-paraganglioma; Hereditary Paraganglioma-Pheochromocytoma Syndromes. Identifiers: Orphanet 29072, MedGen C4274332, MONDO:0017366.

Allele frequency attached by ClinVar (database versions not stated): TOPMed below 0.00001; gnomAD 0.00001.
gnomAD v4.1: 1 of 1,613,138 alleles (0.000062%); highest among the groups gnomAD compares: Admixed American, 0.0017%; no homozygotes.

Submissions (4):

Labcorp Genetics (formerly Invitae), Labcorp
Classification: Likely benign for Gastrointestinal stromal tumor; Pheochromocytoma/paraganglioma syndrome 4; Pheochromocytoma. Last evaluated: 2025-12-16. Review status: criteria provided, single submitter. Criteria: Invitae Variant Classification Sherloc (09022015). Collection method: clinical testing. Allele origin: germline.

All of Us Research Program, National Institutes of Health
Classification: Likely benign for Hereditary pheochromocytoma and paraganglioma. Last evaluated: 2024-02-05. Review status: criteria provided, single submitter. Criteria: ACMG Guidelines, 2015. Collection method: clinical testing. Allele origin: germline. Inheritance: Autosomal dominant inheritance. Observed: 2 variant alleles, 2 heterozygotes.
Comment: This variant causes a T to A nucleotide substitution at the -6 position of intron 1 of the SDHB gene. Splice site prediction tools suggest that this variant may not impact RNA splicing. To our knowledge, functional studies have not been reported for this variant. This variant has not been reported in individuals affected with hereditary paranganglioma-pheochromocytoma syndrome in the literature. This variant has not been identified in the general population by the Genome Aggregation Database (gnomAD). The available evidence is insufficient to determine the role of this variant in disease conclusively. Therefore, this variant is classified as a Variant of Uncertain Significance.

This study involves interpretation of variants in research participants for the purpose of population health screening. Participant phenotype was not available at the time of variant classification. Additional details can be found in publication PMID: 35346344, PMCID: PMC8962531

Color Diagnostics, LLC DBA Color Health
Classification: Likely benign for Hereditary pheochromocytoma and paraganglioma. Last evaluated: 2024-01-30. Review status: criteria provided, single submitter. Criteria: ACMG Guidelines, 2015. Collection method: clinical testing. Allele origin: germline.

Baylor Genetics
Classification: Uncertain significance for Gastrointestinal stromal tumor. Last evaluated: 2023-05-18. Review status: criteria provided, single submitter. Criteria: ACMG Guidelines, 2015. Collection method: clinical testing. Allele origin: unknown.

NM_003000.3(SDHB):c.73-6T>A

Gene: SDHB (succinate dehydrogenase complex iron sulfur subunit B; minus strand). Cytogenetic location: 1p36.13.
Variant type: single nucleotide variant.
Coding change: c.73-6T>A on transcript NM_003000.3 (MANE Select); 6 bases into the intron before coding-DNA position 73, T replaced by A.
Molecular consequence: intron variant.
Genome position (GRCh38, 1-based): chr1:17,044,894, A>T on the plus strand (T>A on the coding strand, the complement: SDHB is on the minus strand). VCF-style: chr1-17044894-A-T. GRCh37 (hg19) VCF-style: chr1-17371389-A-T.
Identifiers: ClinVar variation 648497 (VCV000648497.11), dbSNP rs1252798981, ClinGen allele CA890981156.